The following is an entry in ClinVar:

NM_000478.6(ALPL):c.671A>T (p.Lys224Ile)

Gene: ALPL (alkaline phosphatase, biomineralization associated; plus strand). Cytogenetic location: 1p36.12.
Variant type: single nucleotide variant.
Coding change: c.671A>T on transcript NM_000478.6 (MANE Select); coding-DNA position 671, A replaced by T.
Protein change: p.Lys224Ile; replaces lysine 224 with isoleucine.
Molecular consequence: missense variant.
Genome position (GRCh38, 1-based): chr1:21,568,126, A>T. VCF-style: chr1-21568126-A-T. GRCh37 (hg19) VCF-style: chr1-21894619-A-T.
Other names: c.506A>T, p.Lys169Ile (NM_001127501.4); c.440A>T, p.Lys147Ile (NM_001177520.3); c.671A>T, p.Lys224Ile (NM_001369803.2, NM_001369804.2, NM_001369805.2); short protein forms K169I, K224I, K147I.
Identifiers: ClinVar variation 2998588 (VCV002998588.5), dbSNP rs2545317046, ClinGen allele CA338879084.

ClinVar aggregate classification (germline): Conflicting classifications of pathogenicity. Review status: criteria provided, conflicting classifications (1 of 4 stars). 2 submissions from 2 submitters: Likely pathogenic (1); Uncertain significance (1). Last evaluated 2025-07-23.

Submissions (2):

Women's Health and Genetics/Laboratory Corporation of America, LabCorp
Classification: Uncertain significance. Last evaluated: 2025-07-23. Review status: criteria provided, single submitter. Criteria: LabCorp Variant Classification Summary - May 2015. Collection method: clinical testing. Allele origin: germline.
Comment: Variant summary: ALPL c.671A>T (p.Lys224Ile) results in a non-conservative amino acid change in the encoded protein sequence. Algorithms developed to predict the effect of missense changes on protein structure and function all suggest that this variant is likely to be disruptive. The variant was absent in 251480 control chromosomes. The available data on variant occurrences in the general population are insufficient to allow any conclusion about variant significance. To our knowledge, no occurrence of c.671A>T in individuals affected with Hypophosphatasia and no experimental evidence demonstrating its impact on protein function have been reported. ClinVar contains an entry for this variant (Variation ID: 2998588). Based on the evidence outlined above, the variant was classified as uncertain significance.

Labcorp Genetics (formerly Invitae), Labcorp
Classification: Likely pathogenic. Last evaluated: 2024-07-22. Review status: criteria provided, single submitter. Criteria: Invitae Variant Classification Sherloc (09022015). Collection method: clinical testing. Allele origin: germline.
Comment: This sequence change replaces lysine, which is basic and polar, with isoleucine, which is neutral and non-polar, at codon 224 of the ALPL protein (p.Lys224Ile). This variant is not present in population databases (gnomAD no frequency). This variant has not been reported in the literature in individuals affected with ALPL-related conditions. Advanced modeling of protein sequence and biophysical properties (such as structural, functional, and spatial information, amino acid conservation, physicochemical variation, residue mobility, and thermodynamic stability) performed at Invitae indicates that this missense variant is expected to disrupt ALPL protein function with a positive predictive value of 95%. This variant disrupts the p.Lys224 amino acid residue in ALPL. Other variant(s) that disrupt this residue have been determined to be pathogenic (PMID: 10834525). This suggests that this residue is clinically significant, and that variants that disrupt this residue are likely to be disease-causing. In summary, the currently available evidence indicates that the variant is pathogenic, but additional data are needed to prove that conclusively. Therefore, this variant has been classified as Likely Pathogenic.

Literature cited by the submitters: PubMed 10834525 (cited by Labcorp Genetics (formerly Invitae), Labcorp).